The following is an entry in ClinVar:

ClinVar aggregate classification (germline): Pathogenic (1 of 4 stars; one submission).

Conditions:
Severe myoclonic epilepsy in infancy (DRVT). Also called: DEVELOPMENTAL AND EPILEPTIC ENCEPHALOPATHY 6A; SEVERE MYOCLONIC EPILEPSY OF INFANCY; Epileptic encephalopathy, early infantile, 6 (Dravet syndrome); Severe Myoclonic Epilepsy in Infancy (SMEI); Dravet syndrome. Identifiers: Orphanet 33069, MedGen C0751122, MONDO:0100135, OMIM 607208.

Submission:

Institute of Human Genetics, University of Leipzig Medical Center
Classification: Pathogenic for Severe myoclonic epilepsy in infancy. Last evaluated: 2024-09-20. Review status: criteria provided, single submitter. Criteria: ACMG Guidelines, 2015. Collection method: clinical testing. Allele origin: de novo. Inheritance: Autosomal dominant inheritance. Affected: yes.
Comment: Criteria applied: PVS1,PM2_MOD,PS2

NM_001165963.4(SCN1A):c.3430-1552_3481del

Genes: SCN1A (sodium voltage-gated channel alpha subunit 1; minus strand), LOC102724058 (uncharacterized LOC102724058; plus strand). Cytogenetic location: 2q24.3.
Variant type: Deletion.
Coding change: c.3430-1552_3481del on transcript NM_001165963.4 (MANE Select); 1552 bases into the intron before coding-DNA position 3430 through coding-DNA position 3481, 1,604 bases deleted.
Molecular consequence: splice acceptor variant.
Genome position (GRCh38, 1-based): chr2:166,015,676-166,017,279, 1,604 bases deleted. GRCh37 (hg19): chr2:166,872,188-166,873,791.
Other names: c.3397-1552_3448del (NM_001353949.2, NM_001353950.2, NM_001353951.2 and 2 more transcripts); c.3346-1552_3397del (NM_001353958.2, NM_001353957.2, NM_001165964.3); c.3430-1552_3481del (NM_001202435.3, NM_001353948.2); c.3394-1552_3445del (NM_001353955.2, NM_001353954.2); c.3343-1552_3394del (NM_001353960.2); c.988-1552_1039del (NM_001353961.2).
Identifiers: ClinVar variation 3358981 (VCV003358981.2).